The following is an entry in ClinVar:

NM_015189.3(EXOC6B):c.1075C>T (p.His359Tyr)

Gene: EXOC6B (exocyst complex component 6B; minus strand). Cytogenetic location: 2p13.2.
Variant type: single nucleotide variant.
Coding change: c.1075C>T on transcript NM_015189.3 (MANE Select); coding-DNA position 1075, C replaced by T.
Protein change: p.His359Tyr; replaces histidine 359 with tyrosine.
Molecular consequence: missense variant. On other transcripts: non-coding transcript variant (2).
Genome position (GRCh38, 1-based): chr2:72,513,224, G>A on the plus strand (C>T on the coding strand, the complement: EXOC6B is on the minus strand). VCF-style: chr2-72513224-G-A. GRCh37 (hg19) VCF-style: chr2-72740353-G-A.
Other names: c.1075C>T, p.His359Tyr (NM_001321729.2, NM_001321730.2, NM_001321731.2 and 1 more transcripts); c.736C>T, p.His246Tyr (NM_001321734.2); short protein forms H359Y, H246Y.
Identifiers: ClinVar variation 1920514 (VCV001920514.5), dbSNP rs770445435, ClinGen allele CA1708547.
Genomic context (GRCh38, chr2:72,513,224, plus strand): 5'-AAAGTGCCATTTCCCACAGTTCATCAATGTAGGCTCTATTTACTAAGCCCTGGGTTGTAT[G>A]TAAAATGTGATCTTCAACCACAAAAAAGCTAAGATTGAGGAAAAAAGAAAGCACAGCTGT-3'
Protein context (NP_056004.1, residues 349-369): GFFVVEDHIL[His359Tyr]TTQGLVNRAY

ClinVar aggregate classification (germline): Uncertain significance (1 of 4 stars; one submission).

Allele frequency attached by ClinVar (database versions not stated): ExAC 0.00001; gnomAD 0.00001; gnomAD exomes 0.00001; TOPMed 0.00001.
gnomAD v4.1: 10 of 1,612,836 alleles (0.00062%); highest among the groups gnomAD compares: Non-Finnish European, 0.00076%; no homozygotes.

Submission:

Labcorp Genetics (formerly Invitae), Labcorp
Classification: Uncertain significance. Last evaluated: 2022-09-09. Review status: criteria provided, single submitter. Criteria: Invitae Variant Classification Sherloc (09022015). Collection method: clinical testing. Allele origin: germline.
Comment: This sequence change replaces histidine, which is basic and polar, with tyrosine, which is neutral and polar, at codon 359 of the EXOC6B protein (p.His359Tyr). This variant is present in population databases (rs770445435, gnomAD 0.002%). This variant has not been reported in the literature in individuals affected with EXOC6B-related conditions. Experimental studies and prediction algorithms are not available or were not evaluated, and the functional significance of this variant is currently unknown. In summary, the available evidence is currently insufficient to determine the role of this variant in disease. Therefore, it has been classified as a Variant of Uncertain Significance.